The following is an entry in ClinVar:

NM_001267550.2(TTN):c.105241G>C (p.Glu35081Gln)

Genes: TTN (titin; minus strand), TTN-AS1 (TTN antisense RNA 1; plus strand). Cytogenetic location: 2q31.2.
Variant type: single nucleotide variant.
Coding change: c.105241G>C on transcript NM_001267550.2 (MANE Select); coding-DNA position 105241, G replaced by C.
Protein change: p.Glu35081Gln; replaces glutamic acid 35081 with glutamine.
Molecular consequence: missense variant.
Genome position (GRCh38, 1-based): chr2:178,531,374, C>G on the plus strand (G>C on the coding strand, the complement: TTN is on the minus strand). VCF-style: chr2-178531374-C-G. GRCh37 (hg19) VCF-style: chr2-179396101-C-G.
Other names: c.100318G>C, p.Glu33440Gln (NM_001256850.1); c.78046G>C, p.Glu26016Gln (NM_003319.4); c.97537G>C, p.Glu32513Gln (NM_133378.4); c.78421G>C, p.Glu26141Gln (NM_133432.3); c.78622G>C, p.Glu26208Gln (NM_133437.4); short protein forms E32513Q, E26016Q, E26208Q, E35081Q, E33440Q, E26141Q.
Identifiers: ClinVar variation 2943268 (VCV002943268.3), dbSNP rs779952686, ClinGen allele CA60954026.

ClinVar aggregate classification (germline): Uncertain significance (1 of 4 stars; one submission).

Conditions:
Dilated cardiomyopathy 1G (CMD1G). Identifiers: Orphanet 154, MedGen C1858763, MONDO:0011400, OMIM 604145.
Autosomal recessive limb-girdle muscular dystrophy type 2J (LGMDR10). Also called: MUSCULAR DYSTROPHY, LIMB-GIRDLE, AUTOSOMAL RECESSIVE 10; Limb-girdle muscular dystrophy, type 2J. Identifiers: Orphanet 140922, MedGen C1837342, MONDO:0012127, OMIM 608807.

gnomAD v4.1: 1 of 1,613,908 alleles (0.000062%); highest among the groups gnomAD compares: African/African-American, 0.0013%; no homozygotes.

Submission:

Labcorp Genetics (formerly Invitae), Labcorp
Classification: Uncertain significance for Dilated cardiomyopathy 1G; Autosomal recessive limb-girdle muscular dystrophy type 2J. Last evaluated: 2023-01-16. Review status: criteria provided, single submitter. Criteria: Invitae Variant Classification Sherloc (09022015). Collection method: clinical testing. Allele origin: germline.
Comment: This variant is located in the M band of TTN (PMID: 25589632). Variants in this region may be relevant for neuromuscular disorders, but have not been definitively shown to cause cardiomyopathy (PMID: 23975875). In summary, the available evidence is currently insufficient to determine the role of this variant in disease. Therefore, it has been classified as a Variant of Uncertain Significance. Experimental studies and prediction algorithms are not available or were not evaluated, and the functional significance of this variant is currently unknown. This variant has not been reported in the literature in individuals affected with TTN-related conditions. This variant is not present in population databases (gnomAD no frequency). This sequence change replaces glutamic acid, which is acidic and polar, with glutamine, which is neutral and polar, at codon 35081 of the TTN protein (p.Glu35081Gln).

Literature cited by the submitters: PubMed 25589632; PubMed 23975875.